The following is an entry in ClinVar:

NM_001165963.4(SCN1A):c.2415G>T (p.Leu805Phe)

Gene: SCN1A (sodium voltage-gated channel alpha subunit 1; minus strand). Cytogenetic location: 2q24.3.
Variant type: single nucleotide variant.
Coding change: c.2415G>T on transcript NM_001165963.4 (MANE Select); coding-DNA position 2415, G replaced by T.
Protein change: p.Leu805Phe; replaces leucine 805 with phenylalanine.
Molecular consequence: missense variant. On other transcripts: 5 prime UTR variant (1), non-coding transcript variant (1).
Genome position (GRCh38, 1-based): chr2:166,041,231, C>A on the plus strand (G>T on the coding strand, the complement: SCN1A is on the minus strand). VCF-style: chr2-166041231-C-A. GRCh37 (hg19) VCF-style: chr2-166897741-C-A.
Other names: c.2331G>T, p.Leu777Phe (NM_001353958.2, NM_001165964.3, NM_001353957.2); c.2328G>T, p.Leu776Phe (NM_001353960.2); c.-44G>T (NM_001353961.2); c.2382G>T, p.Leu794Phe (NM_006920.6, NM_001353949.2, NM_001353950.2 and 2 more transcripts); c.2415G>T, p.Leu805Phe (NM_001202435.3, NM_001353948.2); c.2379G>T, p.Leu793Phe (NM_001353954.2, NM_001353955.2); short protein forms L805F, L793F, L776F, L777F, L794F.
Identifiers: ClinVar variation 951961 (VCV000951961.10), dbSNP rs1697125571, ClinGen allele CA349063651.
Genomic context (GRCh38, chr2:166,041,231, plus strand): 5'-AAACAGTTTTTCAAGCAGAAAATTTGAAGACTAAACACATTTACCTTCCAATATGCTTAC[C>A]AAGTTTCCTACTGTAAGCACATTATTGAAATGGTCCGTCATTGGATAGTGCTCCATGGCC-3'
Protein context (NP_001159435.1, residues 795-815): HFNNVLTVGN[Leu805Phe]VFTGIFTAEM

ClinVar aggregate classification (germline): Uncertain significance (1 of 4 stars; one submission).

Conditions:
Early-infantile DEE. Also called: Early infantile epileptic encephalopathy; Ohtahara syndrome; Early infantile epileptic encephalopathy with suppression bursts. Identifiers: Orphanet 1934, MedGen C0393706, MONDO:0800491.

Submission:

Labcorp Genetics (formerly Invitae), Labcorp
Classification: Uncertain significance for Early-infantile DEE. Last evaluated: 2019-06-16. Review status: criteria provided, single submitter. Criteria: Invitae Variant Classification Sherloc (09022015). Collection method: clinical testing. Allele origin: germline.
Comment: Algorithms developed to predict the effect of missense changes on protein structure and function are either unavailable or do not agree on the potential impact of this missense change (SIFT: "Deleterious"; PolyPhen-2: "Probably Damaging"; Align-GVGD: "Class C0"). This variant has not been reported in the literature in individuals with SCN1A-related conditions. This variant is not present in population databases (ExAC no frequency). This sequence change replaces leucine with phenylalanine at codon 805 of the SCN1A protein (p.Leu805Phe). The leucine residue is highly conserved and there is a small physicochemical difference between leucine and phenylalanine. This variant also falls at the last nucleotide of exon 13 of the SCN1A coding sequence, which is part of the consensus splice site for this exon. Nucleotide substitutions within the consensus splice site are a relatively common cause of aberrant splicing (PMID: 17576681, 9536098). Algorithms developed to predict the effect of sequence changes on RNA splicing suggest that this variant may disrupt the consensus splice site, but this prediction has not been confirmed by published transcriptional studies. In summary, the available evidence is currently insufficient to determine the role of this variant in disease. Therefore, it has been classified as a Variant of Uncertain Significance. This variant disrupts the c.2415G nucleotide in the SCN1A gene. Other variant(s) that disrupt this nucleotide have been determined to be pathogenic (PMID: 17561957). This suggests that this nucleotide is clinically-significant, and that variants that disrupt this position are likely to be disease-causing.

Literature cited by the submitters: PubMed 17576681; PubMed 9536098; PubMed 17561957.